The following is an entry in ClinVar:

NM_000238.4(KCNH2):c.2066T>C (p.Ile689Thr)

Gene: KCNH2 (potassium voltage-gated channel subfamily H member 2; minus strand). Cytogenetic location: 7q36.1.
Variant type: single nucleotide variant.
Coding change: c.2066T>C on transcript NM_000238.4 (MANE Select); coding-DNA position 2066, T replaced by C.
Protein change: p.Ile689Thr; replaces isoleucine 689 with threonine.
Molecular consequence: missense variant. On other transcripts: non-coding transcript variant (2).
Genome position (GRCh38, 1-based): chr7:150,951,000, A>G on the plus strand (T>C on the coding strand, the complement: KCNH2 is on the minus strand). VCF-style: chr7-150951000-A-G. GRCh37 (hg19) VCF-style: chr7-150648088-A-G.
Other names: c.1046T>C, p.Ile349Thr (NM_001204798.2, NM_172057.3); c.1778T>C, p.Ile593Thr (NM_001406753.1, NM_001406756.1); c.1889T>C, p.Ile630Thr (NM_001406755.1); c.1766T>C, p.Ile589Thr (NM_001406757.1); c.2066T>C, p.Ile689Thr (NM_172056.3); short protein forms I689T, I593T, I630T, I589T, I349T.
Identifiers: ClinVar variation 3724754 (VCV003724754.2).

ClinVar aggregate classification (germline): Uncertain significance (1 of 4 stars; one submission).

Conditions:
Long QT syndrome (LQTS). Identifiers: MedGen C0023976, MeSH D008133, MONDO:0002442. Disease mechanism: loss of function. Inheritance: Various modes of inheritance.

Submission:

Labcorp Genetics (formerly Invitae), Labcorp
Classification: Uncertain significance for Long QT syndrome. Last evaluated: 2024-11-06. Review status: criteria provided, single submitter. Criteria: Invitae Variant Classification Sherloc (09022015). Collection method: clinical testing. Allele origin: germline.
Comment: This sequence change replaces isoleucine, which is neutral and non-polar, with threonine, which is neutral and polar, at codon 689 of the KCNH2 protein (p.Ile689Thr). This variant is not present in population databases (gnomAD no frequency). This variant has not been reported in the literature in individuals affected with KCNH2-related conditions. An algorithm developed to predict the effect of missense changes on protein structure and function (PolyPhen-2) suggests that this variant is likely to be disruptive. In summary, the available evidence is currently insufficient to determine the role of this variant in disease. Therefore, it has been classified as a Variant of Uncertain Significance.